The following is an entry in ClinVar:

NM_014845.6(FIG4):c.877-2A>C

Gene: FIG4 (FIG4 phosphoinositide 5-phosphatase; plus strand). Cytogenetic location: 6q21.
Variant type: single nucleotide variant.
Coding change: c.877-2A>C on transcript NM_014845.6 (MANE Select); the canonical splice acceptor site of the intron before coding-DNA position 877, A replaced by C.
Molecular consequence: splice acceptor variant.
Genome position (GRCh38, 1-based): chr6:109,743,108, A>C. VCF-style: chr6-109743108-A-C. GRCh37 (hg19) VCF-style: chr6-110064311-A-C.
Identifiers: ClinVar variation 637528 (VCV000637528.18), dbSNP rs143956557, ClinGen allele CA3955934.

ClinVar aggregate classification (germline): Pathogenic/Likely pathogenic. Review status: criteria provided, multiple submitters, no conflicts (2 of 4 stars). 6 submissions from 6 submitters: Pathogenic (1); Likely pathogenic (3). 2 of the submissions do not count toward it. Last evaluated 2025-09-05.

Conditions:
FIG4-related disorder. Also called: FIG4-related condition; FIG4-related disorders.
Inborn genetic diseases. Identifiers: MedGen C0950123, MeSH D030342.
Charcot-Marie-Tooth disease. Also called: Charcot-Marie-Tooth Neuropathy; Charcot-Marie-Tooth Hereditary Neuropathy. Identifiers: Orphanet 166, MedGen C0007959, MONDO:0015626.
Charcot-Marie-Tooth disease type 4. Also called: Charcot-Marie-Tooth, Type 4; Charcot-Marie-Tooth disease, type IV. Identifiers: Orphanet 64749, MedGen C4082197, MONDO:0018995.
Charcot-Marie-Tooth disease type 4J (CMT4J). Also called: CHARCOT-MARIE-TOOTH DISEASE, AUTOSOMAL RECESSIVE, TYPE 4J; Charcot-Marie-Tooth Neuropathy Type 4J; CHARCOT-MARIE-TOOTH DISEASE, DEMYELINATING, TYPE 4J. Identifiers: Orphanet 139515, MedGen C1970011, MONDO:0012640, OMIM 611228.

Allele frequency attached by ClinVar (database versions not stated): gnomAD exomes below 0.00001; ExAC 0.00001; gnomAD 0.00002; TOPMed 0.00002; ESP Exome Variant Server 0.00008.
gnomAD v4.1: 5 of 1,611,096 alleles (0.00031%); highest among the groups gnomAD compares: African/African-American, 0.0013%; no homozygotes.

Submissions (6):

Labcorp Genetics (formerly Invitae), Labcorp
Classification: Pathogenic for Charcot-Marie-Tooth disease type 4. Last evaluated: 2025-09-05. Review status: criteria provided, single submitter. Criteria: Invitae Variant Classification Sherloc (09022015). Collection method: clinical testing. Allele origin: germline.
Comment: This sequence change affects an acceptor splice site in intron 8 of the FIG4 gene. It is expected to disrupt RNA splicing. Variants that disrupt the donor or acceptor splice site typically lead to a loss of protein function (PMID: 16199547), and loss-of-function variants in FIG4 are known to be pathogenic (PMID: 23623387, 30740813). This variant is present in population databases (rs143956557, gnomAD 0.0009%). Disruption of this splice site has been observed in individual(s) with clinical features of Charcot-Marie-Tooth disease (PMID: 21705420). In at least one individual the data is consistent with being in trans (on the opposite chromosome) from a pathogenic variant. This variant is also known as IVS8-2A>C. ClinVar contains an entry for this variant (Variation ID: 637528). Algorithms developed to predict the effect of sequence changes on RNA splicing suggest that this variant may disrupt the consensus splice site. For these reasons, this variant has been classified as Pathogenic.

GeneDx
Classification: Likely pathogenic. Last evaluated: 2025-03-17. Review status: criteria provided, single submitter. Criteria: GeneDx Variant Classification Process June 2021. Collection method: clinical testing. Allele origin: germline. Affected: yes.
Comment: Reported in individuals in published literature undergoing testing for Charcot-Marie-Tooth disease, but no clinical information or information about a whether a variant was identified on the other FIG4 allele was provided (PMID: 21705420); Canonical splice site variant predicted to result in a null allele in a gene for which loss of function is a known mechanism of disease; Not observed at a significant frequency in large population cohorts (gnomAD); This variant is associated with the following publications: (PMID: 25525159, 34899148, 21705420)

PreventionGenetics, part of Exact Sciences
Classification: Likely pathogenic for FIG4-related condition. Last evaluated: 2023-08-05. Review status: criteria provided, single submitter. Criteria: ACMG Guidelines, 2015. Collection method: clinical testing. Allele origin: germline.
Comment: The FIG4 c.877-2A>C variant is predicted to disrupt the AG splice acceptor site and interfere with normal splicing. This variant was reported in Charcot-Marie-Tooth (CMT) disease, type 4J (HGMD, ClinVar). This variant is reported in 0.00088% of alleles in individuals of European (Non-Finnish) descent in gnomAD. Variants that disrupt the consensus splice acceptor site in FIG4 are expected to be pathogenic. This variant is interpreted as likely pathogenic for CMT-related disorders.

Ambry Genetics
Classification: Likely pathogenic for Inborn genetic diseases. Last evaluated: 2020-06-30. Review status: criteria provided, single submitter. Criteria: Ambry Variant Classification Scheme 2023. Collection method: clinical testing. Allele origin: germline.
Comment: The c.877-2A>C intronic variant results from an A to C substitution two nucleotides upstream from coding exon 9 in the FIG4 gene. This nucleotide position is highly conserved in available vertebrate species. This variant was identified in 2 cases in a 4000-person cohort with Charcot-Marie-Tooth disease; clinical details were limited (Nicholson G et al. Brain, 2011 Jul;134:1959-71). Using the BDGP and ESEfinder splice site prediction tools, this alteration is predicted to abolish the native splice acceptor site; however, direct evidence is unavailable. Alterations that disrupt the canonical splice site are expected to cause aberrant splicing, resulting in an abnormal protein or a transcript that is subject to nonsense-mediated mRNA decay. As such, this alteration is classified as likely pathogenic.

Inherited Neuropathy Consortium Ii, University Of Miami
Classification: Uncertain significance for Charcot-Marie-Tooth disease type 4J. Last evaluated: 2016-01-06. Review status: no assertion criteria provided. Collection method: literature only. Allele origin: germline. Affected: yes. Not counted in ClinVar's aggregate classification.

Inherited Neuropathy Consortium
Classification: Uncertain significance for Charcot-Marie-Tooth disease. Review status: no assertion criteria provided. Collection method: literature only. Allele origin: germline. Affected: yes. Not counted in ClinVar's aggregate classification.

Literature cited by the submitters: PubMed 16199547 (cited by Labcorp Genetics (formerly Invitae), Labcorp); PubMed 23623387 (cited by Labcorp Genetics (formerly Invitae), Labcorp); PubMed 30740813 (cited by Labcorp Genetics (formerly Invitae), Labcorp); PubMed 21705420 (cited by 4 submitters).